The following is an entry in ClinVar:

ClinVar aggregate classification (germline): Uncertain significance (1 of 4 stars; one submission).

Conditions:
Hereditary cancer-predisposing syndrome. Also called: Neoplastic Syndromes, Hereditary; Tumor predisposition; Hereditary neoplastic syndrome; Hereditary Cancer Syndrome. Identifiers: Orphanet 140162, MedGen C0027672, MeSH D009386, MONDO:0015356.

Submission:

Ambry Genetics
Classification: Uncertain significance for Hereditary cancer-predisposing syndrome. Last evaluated: 2023-12-14. Review status: criteria provided, single submitter. Criteria: Ambry Variant Classification Scheme 2023. Collection method: clinical testing. Allele origin: germline.
Comment: The p.R741L variant (also known as c.2222G>T), located in coding exon 22 of the RB1 gene, results from a G to T substitution at nucleotide position 2222. The arginine at codon 741 is replaced by leucine, an amino acid with dissimilar properties. This amino acid position is conserved. In addition, the in silico prediction for this alteration is inconclusive. Since supporting evidence is limited at this time, the clinical significance of this alteration remains unclear.

NM_000321.3(RB1):c.2222G>T (p.Arg741Leu)

Gene: RB1 (RB transcriptional corepressor 1; plus strand). Cytogenetic location: 13q14.2.
Variant type: single nucleotide variant.
Coding change: c.2222G>T on transcript NM_000321.3 (MANE Select); coding-DNA position 2222, G replaced by T.
Protein change: p.Arg741Leu; replaces arginine 741 with leucine.
Molecular consequence: missense variant.
Genome position (GRCh38, 1-based): chr13:48,465,008, G>T. VCF-style: chr13-48465008-G-T. GRCh37 (hg19) VCF-style: chr13-49039144-G-T.
Other names: c.2222G>T, p.Arg741Leu (NM_001407165.1); short protein forms R741L.
Identifiers: ClinVar variation 3231213 (VCV003231213.1), dbSNP rs764520289, ClinGen allele CA034898.
Genomic context (GRCh38, chr13:48,465,008, plus strand): 5'-GTAAATTTTACTTTTTTTTTTTTTTTTTTTTTTTTACTGTTCTTCCTCAGACATTCAAAC[G>T]TGTTTTGATCAAAGAAGAGGAGTATGATTCTATTATAGTATTCTATAACTCGGTCTTCAT-3'
Protein context (NP_000312.2, residues 731-751): LPHAVQETFK[Arg741Leu]VLIKEEEYDS